The following is an entry in ClinVar:

ClinVar aggregate classification (germline): Uncertain significance (1 of 4 stars; one submission).

Submission:

GeneDx
Classification: Uncertain significance. Last evaluated: 2020-08-05. Review status: criteria provided, single submitter. Criteria: GeneDx Variant Classification Process June 2021. Collection method: clinical testing. Allele origin: germline. Affected: yes.
Comment: In silico analysis, which includes protein predictors and evolutionary conservation, supports a deleterious effect; Not observed in large population cohorts (Lek et al., 2016); This variant is associated with the following publications: (PMID: 30859559)

NM_006767.4(LZTR1):c.434A>T (p.Asn145Ile)

Gene: LZTR1 (leucine zipper like post translational regulator 1; plus strand). Cytogenetic location: 22q11.21.
Variant type: single nucleotide variant.
Coding change: c.434A>T on transcript NM_006767.4 (MANE Select); coding-DNA position 434, A replaced by T.
Protein change: p.Asn145Ile; replaces asparagine 145 with isoleucine.
Molecular consequence: missense variant.
Genome position (GRCh38, 1-based): chr22:20,988,043, A>T. VCF-style: chr22-20988043-A-T. GRCh37 (hg19) VCF-style: chr22-21342332-A-T.
Other names: short protein forms N145I.
Identifiers: ClinVar variation 1309660 (VCV001309660.2), dbSNP rs2147961982, ClinGen allele CA410779751.